The following is an entry in ClinVar:

NM_001378418.1(TCF20):c.77G>A (p.Arg26Gln)

Gene: TCF20 (transcription factor 20; minus strand). Cytogenetic location: 22q13.2.
Variant type: single nucleotide variant.
Coding change: c.77G>A on transcript NM_001378418.1 (MANE Select); coding-DNA position 77, G replaced by A.
Protein change: p.Arg26Gln; replaces arginine 26 with glutamine.
Molecular consequence: missense variant.
Genome position (GRCh38, 1-based): chr22:42,215,229, C>T on the plus strand (G>A on the coding strand, the complement: TCF20 is on the minus strand). VCF-style: chr22-42215229-C-T. GRCh37 (hg19) VCF-style: chr22-42611235-C-T.
Other names: c.77G>A, p.Arg26Gln (NM_005650.4, NM_181492.3); short protein forms R26Q.
Identifiers: ClinVar variation 1335491 (VCV001335491.38), dbSNP rs754459427, ClinGen allele CA10267450.

ClinVar aggregate classification (germline): Uncertain significance. Review status: criteria provided, multiple submitters, no conflicts (2 of 4 stars). 2 submissions from 2 submitters: Uncertain significance (2). Last evaluated 2025-08-03.

Allele frequency attached by ClinVar (database versions not stated): TOPMed 0.00003; gnomAD 0.00005 and 0.00006; gnomAD exomes 0.00005 and 0.00009; ExAC 0.00007.
gnomAD v4.1: 134 of 1,614,068 alleles (0.0083%); highest among the groups gnomAD compares: Non-Finnish European, 0.011%; no homozygotes.

Submissions (2):

Labcorp Genetics (formerly Invitae), Labcorp
Classification: Uncertain significance. Last evaluated: 2025-08-03. Review status: criteria provided, single submitter. Criteria: Invitae Variant Classification Sherloc (09022015). Collection method: clinical testing. Allele origin: germline.
Comment: This sequence change replaces arginine, which is basic and polar, with glutamine, which is neutral and polar, at codon 26 of the TCF20 protein (p.Arg26Gln). This variant is present in population databases (rs754459427, gnomAD 0.02%). This variant has not been reported in the literature in individuals affected with TCF20-related conditions. ClinVar contains an entry for this variant (Variation ID: 1335491). An algorithm developed to predict the effect of missense changes on protein structure and function (PolyPhen-2) suggests that this variant is likely to be disruptive. In summary, the available evidence is currently insufficient to determine the role of this variant in disease. Therefore, it has been classified as a Variant of Uncertain Significance.

CeGaT Center for Human Genetics Tuebingen
Classification: Uncertain significance. Last evaluated: 2021-11-01. Review status: criteria provided, single submitter. Criteria: CeGaT Center For Human Genetics Tuebingen Variant Classification Criteria Version 2. Collection method: clinical testing. Allele origin: germline. Affected: yes. Observed: 1 variant allele.